The following is an entry in ClinVar:

NM_018979.4(WNK1):c.1684G>A (p.Val562Ile)

Gene: WNK1 (WNK lysine deficient protein kinase 1; plus strand). Cytogenetic location: 12p13.33.
Variant type: single nucleotide variant.
Coding change: c.1684G>A on transcript NM_018979.4 (MANE Select); coding-DNA position 1684, G replaced by A.
Protein change: p.Val562Ile; replaces valine 562 with isoleucine.
Molecular consequence: missense variant.
Genome position (GRCh38, 1-based): chr12:861,076, G>A. VCF-style: chr12-861076-G-A. GRCh37 (hg19) VCF-style: chr12-970242-G-A.
Other names: c.1684G>A, p.Val562Ile (NM_001184985.2, NM_014823.3, NM_213655.5); short protein forms V562I.
Identifiers: ClinVar variation 1992057 (VCV001992057.4), dbSNP rs2548658137, ClinGen allele CA383334791.

ClinVar aggregate classification (germline): Uncertain significance (1 of 4 stars; one submission).

Conditions:
Neuropathy, hereditary sensory and autonomic, type 2A (HSAN2A). Also called: ACROOSTEOLYSIS, GIACCAI TYPE; ACROOSTEOLYSIS, NEUROGENIC; MORVAN DISEASE; NEUROPATHY, CONGENITAL SENSORY; NEUROPATHY, HEREDITARY SENSORY RADICULAR, AUTOSOMAL RECESSIVE; NEUROPATHY, HEREDITARY SENSORY, TYPE IIA. Identifiers: Orphanet 970, MedGen C2752089, MONDO:0024309, OMIM 201300.
Pseudohypoaldosteronism type 2C (PHA2C). Also called: Pseudohypoaldosteronism Type IIC. Identifiers: Orphanet 757, Orphanet 88940, MedGen C1840391, MONDO:0013778, OMIM 614492.

Allele frequency attached by ClinVar (database versions not stated): gnomAD exomes below 0.00001.
gnomAD v4.1: 3 of 1,613,870 alleles (0.00019%); highest among the groups gnomAD compares: Admixed American, 0.0017%; no homozygotes.

Submission:

Labcorp Genetics (formerly Invitae), Labcorp
Classification: Uncertain significance for Neuropathy, hereditary sensory and autonomic, type 2A; Pseudohypoaldosteronism type 2C. Last evaluated: 2022-03-10. Review status: criteria provided, single submitter. Criteria: Invitae Variant Classification Sherloc (09022015). Collection method: clinical testing. Allele origin: germline.
Comment: Advanced modeling of protein sequence and biophysical properties (such as structural, functional, and spatial information, amino acid conservation, physicochemical variation, residue mobility, and thermodynamic stability) performed at Invitae indicates that this missense variant is not expected to disrupt WNK1 protein function. This variant has not been reported in the literature in individuals affected with WNK1-related conditions. This variant is not present in population databases (gnomAD no frequency). This sequence change replaces valine, which is neutral and non-polar, with isoleucine, which is neutral and non-polar, at codon 562 of the WNK1 protein (p.Val562Ile). In summary, the available evidence is currently insufficient to determine the role of this variant in disease. Therefore, it has been classified as a Variant of Uncertain Significance.